The following is an entry in ClinVar:

ClinVar aggregate classification (germline): Uncertain significance (1 of 4 stars; one submission).

Conditions:
Hereditary cancer-predisposing syndrome. Also called: Hereditary Cancer Syndrome; Neoplastic Syndromes, Hereditary; Tumor predisposition; Hereditary neoplastic syndrome. Identifiers: Orphanet 140162, MedGen C0027672, MeSH D009386, MONDO:0015356.

Submission:

Ambry Genetics
Classification: Uncertain significance for Hereditary cancer-predisposing syndrome. Last evaluated: 2026-07-01. Review status: criteria provided, single submitter. Criteria: Ambry Variant Classification Scheme 2023. Collection method: clinical testing. Allele origin: germline.
Comment: The p.H682L variant (also known as c.2045A>T), located in coding exon 12 of the ALK gene, results from an A to T substitution at nucleotide position 2045. The histidine at codon 682 is replaced by leucine, an amino acid with similar properties. This amino acid position is conserved. In addition, the in silico prediction for this alteration is inconclusive. Based on the available evidence, the clinical significance of this variant remains unclear.

NM_004304.5(ALK):c.2045A>T (p.His682Leu)

Gene: ALK (ALK receptor tyrosine kinase; minus strand). Cytogenetic location: 2p23.2.
Variant type: single nucleotide variant.
Coding change: c.2045A>T on transcript NM_004304.5 (MANE Select); coding-DNA position 2045, A replaced by T.
Protein change: p.His682Leu; replaces histidine 682 with leucine.
Molecular consequence: missense variant.
Genome position (GRCh38, 1-based): chr2:29,251,264, T>A on the plus strand (A>T on the coding strand, the complement: ALK is on the minus strand). VCF-style: chr2-29251264-T-A. GRCh37 (hg19) VCF-style: chr2-29474130-T-A.
Other names: short protein forms H682L.
Identifiers: ClinVar variation 5034718 (VCV005034718.1).